The following is an entry in ClinVar:

ClinVar aggregate classification (germline): Uncertain significance. Review status: criteria provided, multiple submitters, no conflicts (2 of 4 stars). 2 submissions from 2 submitters: Uncertain significance (2). Last evaluated 2021-10-27.

Conditions:
Autosomal recessive nonsyndromic hearing loss 4 (DFNB4). Also called: NEUROSENSORY NONSYNDROMIC RECESSIVE DEAFNESS 4; FOXI1-Related Pendred Syndrome; KCNJ10-Related Pendred Syndrome; DEAFNESS, AUTOSOMAL RECESSIVE 4, WITH ENLARGED VESTIBULAR AQUEDUCT, DIGENIC; Nonsyndromic enlarged vestibular aqueduct (NSEVA); Deafness, autosomal recessive 4, with enlarged vestibular aqueduct. Identifiers: Orphanet 90636, MedGen C3538946, MONDO:0010933, OMIM 600791.
Pendred syndrome (PDS). Also called: THYROID DYSHORMONOGENESIS 2B; THYROID HORMONOGENESIS, GENETIC DEFECT IN, 2B; Pendred Syndrome (PDS); GOITER-DEAFNESS SYNDROME; HYPOTHYROIDISM, CONGENITAL, DUE TO DYSHORMONOGENESIS, 2B; DEAFNESS WITH GOITER. Identifiers: Orphanet 705, MedGen C0271829, MONDO:0010134, OMIM 274600.
EAST syndrome (SESAMES). Also called: SEIZURES, SENSORINEURAL DEAFNESS, ATAXIA, IMPAIRED INTELLECTUAL DEVELOPMENT, AND ELECTROLYTE IMBALANCE. Identifiers: Orphanet 199343, MedGen C2748572, MONDO:0013005, OMIM 612780.

Submissions (2):

Fulgent Genetics
Classification: Uncertain significance for Pendred syndrome; Autosomal recessive nonsyndromic hearing loss 4; EAST syndrome. Last evaluated: 2021-10-27. Review status: criteria provided, single submitter. Criteria: ACMG Guidelines, 2015. Collection method: clinical testing. Allele origin: unknown.

Labcorp Genetics (formerly Invitae), Labcorp
Classification: Uncertain significance for EAST syndrome. Last evaluated: 2020-03-05. Review status: criteria provided, single submitter. Criteria: Invitae Variant Classification Sherloc (09022015). Collection method: clinical testing. Allele origin: germline.
Comment: This sequence change replaces threonine with arginine at codon 2 of the KCNJ10 protein (p.Thr2Arg). The threonine residue is highly conserved and there is a moderate physicochemical difference between threonine and arginine. This variant is not present in population databases (ExAC no frequency). This variant has not been reported in the literature in individuals with KCNJ10-related conditions. Algorithms developed to predict the effect of missense changes on protein structure and function are either unavailable or do not agree on the potential impact of this missense change (SIFT: "Deleterious"; PolyPhen-2: "Benign"; Align-GVGD: "Class C15"). Algorithms developed to predict the effect of sequence changes on RNA splicing suggest that this variant may create or strengthen a splice site, but this prediction has not been confirmed by published transcriptional studies. In summary, the available evidence is currently insufficient to determine the role of this variant in disease. Therefore, it has been classified as a Variant of Uncertain Significance.

NM_002241.5(KCNJ10):c.5C>G (p.Thr2Arg)

Gene: KCNJ10 (potassium inwardly rectifying channel subfamily J member 10; minus strand). Cytogenetic location: 1q23.2.
Variant type: single nucleotide variant.
Coding change: c.5C>G on transcript NM_002241.5 (MANE Select); coding-DNA position 5, C replaced by G.
Protein change: p.Thr2Arg; replaces threonine 2 with arginine.
Molecular consequence: missense variant.
Genome position (GRCh38, 1-based): chr1:160,042,528, G>C on the plus strand (C>G on the coding strand, the complement: KCNJ10 is on the minus strand). VCF-style: chr1-160042528-G-C. GRCh37 (hg19) VCF-style: chr1-160012318-G-C.
Other names: short protein forms T2R.
Identifiers: ClinVar variation 1017047 (VCV001017047.10), dbSNP rs1378425325, ClinGen allele CA343231496.